The following is an entry in ClinVar:

ClinVar aggregate classification (germline): Uncertain significance (1 of 4 stars; one submission).

Conditions:
Autosomal recessive limb-girdle muscular dystrophy type 2W (MDRCMTT). Also called: Muscular dystrophy, limb-girdle, type 2W; Muscular dystrophy, autosomal recessive, with cardiomyopathy and triangular tongue. Identifiers: MedGen C4225192, MONDO:0014788, OMIM 616827.

Allele frequency attached by ClinVar (database versions not stated): ExAC 0.00001; gnomAD 0.00001; gnomAD exomes 0.00001.
gnomAD v4.1: 6 of 1,614,060 alleles (0.00037%); highest among the groups gnomAD compares: Admixed American, 0.0017%; no homozygotes.

Submission:

Labcorp Genetics (formerly Invitae), Labcorp
Classification: Uncertain significance for Autosomal recessive limb-girdle muscular dystrophy type 2W. Last evaluated: 2022-10-13. Review status: criteria provided, single submitter. Criteria: Invitae Variant Classification Sherloc (09022015). Collection method: clinical testing. Allele origin: germline.
Comment: In summary, the available evidence is currently insufficient to determine the role of this variant in disease. Therefore, it has been classified as a Variant of Uncertain Significance. Advanced modeling of protein sequence and biophysical properties (such as structural, functional, and spatial information, amino acid conservation, physicochemical variation, residue mobility, and thermodynamic stability) performed at Invitae indicates that this missense variant is not expected to disrupt LIMS2 protein function. This variant has not been reported in the literature in individuals affected with LIMS2-related conditions. This variant is present in population databases (rs754915607, gnomAD 0.003%). This sequence change replaces valine, which is neutral and non-polar, with methionine, which is neutral and non-polar, at codon 129 of the LIMS2 protein (p.Val129Met).

NM_001161403.3(LIMS2):c.319G>A (p.Val107Met)

Gene: LIMS2 (LIM zinc finger domain containing 2; minus strand). Cytogenetic location: 2q14.3.
Variant type: single nucleotide variant.
Coding change: c.319G>A on transcript NM_001161403.3 (MANE Select); coding-DNA position 319, G replaced by A.
Protein change: p.Val107Met; replaces valine 107 with methionine.
Molecular consequence: missense variant.
Genome position (GRCh38, 1-based): chr2:127,654,464, C>T on the plus strand (G>A on the coding strand, the complement: LIMS2 is on the minus strand). VCF-style: chr2-127654464-C-T. GRCh37 (hg19) VCF-style: chr2-128412038-C-T.
Other names: c.385G>A, p.Val129Met (NM_001136037.4); c.304G>A, p.Val102Met (NM_001161404.2); c.391G>A, p.Val131Met (NM_017980.5); short protein forms V102M, V107M, V131M, V129M.
Identifiers: ClinVar variation 1944152 (VCV001944152.5), dbSNP rs754915607, ClinGen allele CA1863449.